The following is an entry in ClinVar:

ClinVar aggregate classification (germline): Uncertain significance. Review status: criteria provided, multiple submitters, no conflicts (2 of 4 stars). 2 submissions from 2 submitters: Uncertain significance (2). Last evaluated 2023-09-11.

Submissions (2):

Women's Health and Genetics/Laboratory Corporation of America, LabCorp
Classification: Uncertain significance. Last evaluated: 2023-09-11. Review status: criteria provided, single submitter. Criteria: LabCorp Variant Classification Summary - May 2015. Collection method: clinical testing. Allele origin: germline.

Ambry Genetics
Classification: Uncertain significance. Last evaluated: 2021-11-04. Review status: criteria provided, single submitter. Criteria: Ambry Variant Classification Scheme 2023. Collection method: clinical testing. Allele origin: germline.
Comment: The p.Y475N variant (also known as c.1423T>A), located in coding exon 12 of the A2ML1 gene, results from a T to A substitution at nucleotide position 1423. The tyrosine at codon 475 is replaced by asparagine, an amino acid with dissimilar properties. This amino acid position is conserved. In addition, this alteration is predicted to be tolerated by in silico analysis. Since supporting evidence is limited at this time, the clinical significance of this alteration remains unclear.

NM_144670.6(A2ML1):c.1423T>A (p.Tyr475Asn)

Gene: A2ML1 (alpha-2-macroglobulin like 1; plus strand). Cytogenetic location: 12p13.31.
Variant type: single nucleotide variant.
Coding change: c.1423T>A on transcript NM_144670.6 (MANE Select); coding-DNA position 1423, T replaced by A.
Protein change: p.Tyr475Asn; replaces tyrosine 475 with asparagine.
Molecular consequence: missense variant.
Genome position (GRCh38, 1-based): chr12:8,843,308, T>A. VCF-style: chr12-8843308-T-A. GRCh37 (hg19) VCF-style: chr12-8995904-T-A.
Other names: c.1423T>A (NM_144670.5); short protein forms Y475N.
Identifiers: ClinVar variation 1772316 (VCV001772316.3), dbSNP rs2539226007, ClinGen allele CA383825194.
Genomic context (GRCh38, chr12:8,843,308, plus strand): 5'-ATCCACCGGCTAAACGGCCCCTTGAAATGTGGCCAGCCCCAGGAAGTGCTGGTGGATTAT[T>A]ACATCGACCCGGCCGATGCAAGCCCTGACCAAGAGATCAGCTTCTCCTACTATGTGAGAC-3'
Protein context (NP_653271.3, residues 465-485): GQPQEVLVDY[Tyr475Asn]IDPADASPDQ